The following is an entry in ClinVar:

ClinVar aggregate classification (germline): Likely pathogenic (1 of 4 stars; one submission).

Conditions:
Pendred syndrome (PDS). Also called: DEAFNESS WITH GOITER; THYROID DYSHORMONOGENESIS 2B; THYROID HORMONOGENESIS, GENETIC DEFECT IN, 2B; Pendred's syndrome; Pendred Syndrome (PDS); GOITER-DEAFNESS SYNDROME. Identifiers: Orphanet 705, MedGen C0271829, MONDO:0010134, OMIM 274600.

Submission:

Women's Health and Genetics/Laboratory Corporation of America, LabCorp
Classification: Likely pathogenic for Pendred syndrome. Last evaluated: 2025-04-07. Review status: criteria provided, single submitter. Criteria: LabCorp Variant Classification Summary - May 2015. Collection method: clinical testing. Allele origin: germline.
Comment: Variant summary: SLC26A4 c.1147C>G (p.Gln383Glu) results in a conservative amino acid change located in the SLC26A/SulP transporter domain (IPR011547) of the encoded protein sequence. Four of five in-silico tools predict a damaging effect of the variant on protein function. Consensus agreement among computation tools predict no significant impact on normal splicing. However, these predictions have yet to be confirmed by functional studies. The variant was absent in 251146 control chromosomes. c.1147C>G has been reported in the literature in homozygous and compound heterozygous individuals affected with Pendred Syndrome (Rendtorff_2013, Cengiz_2017). These data indicate that the variant may be associated with disease. At least one publication reports experimental evidence evaluating an impact on protein function (Takahashi_2024). The most pronounced variant effect results in residual activity (2.5% of normal activity). The following publications have been ascertained in the context of this evaluation (PMID: 28964290, 23336812, 38474007). No submitters have cited clinical-significance assessments for this variant to ClinVar. Based on the evidence outlined above, the variant was classified as likely pathogenic.

Literature cited by the submitters: PubMed 23336812; PubMed 28964290; PubMed 38474007.

NM_000441.2(SLC26A4):c.1147C>G (p.Gln383Glu)

Gene: SLC26A4 (solute carrier family 26 member 4; plus strand). Cytogenetic location: 7q22.3.
Variant type: single nucleotide variant.
Coding change: c.1147C>G on transcript NM_000441.2 (MANE Select); coding-DNA position 1147, C replaced by G.
Protein change: p.Gln383Glu; replaces glutamine 383 with glutamic acid.
Molecular consequence: missense variant.
Genome position (GRCh38, 1-based): chr7:107,689,198, C>G. VCF-style: chr7-107689198-C-G. GRCh37 (hg19) VCF-style: chr7-107329643-C-G.
Other names: short protein forms Q383E.
Identifiers: ClinVar variation 3896453 (VCV003896453.2).